The following is an entry in ClinVar:

NM_030777.4(SLC2A10):c.1571G>A (p.Arg524Lys)

Gene: SLC2A10 (solute carrier family 2 member 10; plus strand). Cytogenetic location: 20q13.12.
Variant type: single nucleotide variant.
Coding change: c.1571G>A on transcript NM_030777.4 (MANE Select); coding-DNA position 1571, G replaced by A.
Protein change: p.Arg524Lys; replaces arginine 524 with lysine.
Molecular consequence: missense variant.
Genome position (GRCh38, 1-based): chr20:46,733,779, G>A. VCF-style: chr20-46733779-G-A. GRCh37 (hg19) VCF-style: chr20-45362418-G-A.
Other names: p.R524K:AGG>AAG; short protein forms R524K.
Identifiers: ClinVar variation 213741 (VCV000213741.51), dbSNP rs370141550, ClinGen allele CA320576.

ClinVar aggregate classification (germline): Conflicting classifications of pathogenicity. Review status: criteria provided, conflicting classifications (1 of 4 stars). 7 submissions from 7 submitters: Uncertain significance (5); Likely benign (2). Last evaluated 2026-09-01.

Conditions:
SLC2A10-related disorder. Also called: SLC2A10-related condition.
Familial thoracic aortic aneurysm and aortic dissection (TAAD). Also called: Thoracic aortic aneurysms and dissections. Identifiers: Orphanet 91387, MedGen C4707243, MONDO:0019625.
Arterial tortuosity syndrome (ATORS). Identifiers: Orphanet 3342, MedGen C1859726, MONDO:0008818, OMIM 208050.

Allele frequency attached by ClinVar (database versions not stated): ESP Exome Variant Server 0.00008; gnomAD 0.00011 and 0.00012; gnomAD exomes 0.00011; TOPMed 0.00011; ExAC 0.00014.
gnomAD v4.1: 178 of 1,614,044 alleles (0.011%); highest among the groups gnomAD compares: Non-Finnish European, 0.014%; no homozygotes.

Submissions (7):

CeGaT Center for Human Genetics Tuebingen
Classification: Uncertain significance. Last evaluated: 2026-09-01. Review status: criteria provided, single submitter. Criteria: CeGaT Center For Human Genetics Tuebingen Variant Classification Criteria Version 2. Collection method: clinical testing. Allele origin: germline. Affected: yes. Observed: 2 variant alleles.
Comment: SLC2A10: PM2, BP4

Women's Health and Genetics/Laboratory Corporation of America, LabCorp
Classification: Uncertain significance. Last evaluated: 2026-06-15. Review status: criteria provided, single submitter. Criteria: LabCorp Variant Classification Summary - May 2015. Collection method: clinical testing. Allele origin: germline.
Comment: Variant summary: SLC2A10 c.1571G>A (p.Arg524Lys) results in a conservative amino acid change in the encoded protein sequence. Algorithms developed to predict the effect of missense changes on protein structure and function all suggest that this variant is likely to be tolerated. The variant allele was found at a frequency of 0.00011 in 251326 control chromosomes. This frequency is not significantly higher than estimated for disease-causing variants in SLC2A10, allowing no conclusion about variant significance. To our knowledge, no occurrence of c.1571G>A in individuals affected with SLC2A10-related conditions and no experimental evidence demonstrating its impact on protein function have been reported. ClinVar contains an entry for this variant (Variation ID: 213741). Based on the evidence outlined above, the variant was classified as uncertain significance.

Ambry Genetics
Classification: Likely benign for Familial thoracic aortic aneurysm and aortic dissection. Last evaluated: 2026-04-24. Review status: criteria provided, single submitter. Criteria: Ambry Variant Classification Scheme 2023. Collection method: clinical testing. Allele origin: germline.

Labcorp Genetics (formerly Invitae), Labcorp
Classification: Likely benign for Arterial tortuosity syndrome. Last evaluated: 2026-02-01. Review status: criteria provided, single submitter. Criteria: Invitae Variant Classification Sherloc (09022015). Collection method: clinical testing. Allele origin: germline.

GeneDx
Classification: Uncertain significance. Last evaluated: 2025-08-26. Review status: criteria provided, single submitter. Criteria: GeneDx Variant Classification Process June 2021. Collection method: clinical testing. Allele origin: germline. Affected: yes.
Comment: In silico analysis suggests that this missense variant does not alter protein structure/function; Has not been previously published as pathogenic or benign to our knowledge

Fulgent Genetics
Classification: Uncertain significance for Arterial tortuosity syndrome. Last evaluated: 2024-04-23. Review status: criteria provided, single submitter. Criteria: ACMG Guidelines, 2015. Collection method: clinical testing. Allele origin: germline.

PreventionGenetics, part of Exact Sciences
Classification: Uncertain significance for SLC2A10-related condition. Last evaluated: 2023-03-24. Review status: criteria provided, single submitter. Criteria: ACMG Guidelines, 2015. Collection method: clinical testing. Allele origin: germline.
Comment: The SLC2A10 c.1571G>A variant is predicted to result in the amino acid substitution p.Arg524Lys. To our knowledge, this variant has not been reported in the literature. This variant is reported in 0.022% of alleles in individuals of European (Non-Finnish) descent in gnomAD. At this time, the clinical significance of this variant is uncertain due to the absence of conclusive functional and genetic evidence.